The following is an entry in ClinVar:

ClinVar aggregate classification (germline): Uncertain significance (1 of 4 stars; one submission).

Submission:

CeGaT Center for Human Genetics Tuebingen
Classification: Uncertain significance. Last evaluated: 2025-07-01. Review status: criteria provided, single submitter. Criteria: CeGaT Center For Human Genetics Tuebingen Variant Classification Criteria Version 2. Collection method: clinical testing. Allele origin: germline. Affected: yes. Observed: 1 variant allele.
Comment: ITPR3: PM2

NM_002224.4(ITPR3):c.3011T>G (p.Met1004Arg)

Gene: ITPR3 (inositol 1,4,5-trisphosphate receptor type 3; plus strand). Cytogenetic location: 6p21.31.
Variant type: single nucleotide variant.
Coding change: c.3011T>G on transcript NM_002224.4 (MANE Select); coding-DNA position 3011, T replaced by G.
Protein change: p.Met1004Arg; replaces methionine 1004 with arginine.
Molecular consequence: missense variant.
Genome position (GRCh38, 1-based): chr6:33,673,673, T>G. VCF-style: chr6-33673673-T-G. GRCh37 (hg19) VCF-style: chr6-33641450-T-G.
Other names: short protein forms M1004R.
Identifiers: ClinVar variation 4085258 (VCV004085258.8).